The following is an entry in ClinVar:

ClinVar aggregate classification (germline): Uncertain significance (1 of 4 stars; one submission).

gnomAD v4.1: 2 of 1,474,320 alleles (0.00014%); highest among the groups gnomAD compares: Admixed American, 0.0047%; no homozygotes.

Submission:

GeneDx
Classification: Uncertain significance. Last evaluated: 2025-04-20. Review status: criteria provided, single submitter. Criteria: GeneDx Variant Classification Process June 2021. Collection method: clinical testing. Allele origin: germline. Affected: yes.
Comment: Not observed at significant frequency in large population cohorts (gnomAD); In silico analysis indicates that this missense variant does not alter protein structure/function; Has not been previously published as pathogenic or benign to our knowledge

NM_025114.4(CEP290):c.811A>C (p.Ile271Leu)

Gene: CEP290 (centrosomal protein 290; minus strand). Cytogenetic location: 12q21.32.
Variant type: single nucleotide variant.
Coding change: c.811A>C on transcript NM_025114.4 (MANE Select); coding-DNA position 811, A replaced by C.
Protein change: p.Ile271Leu; replaces isoleucine 271 with leucine.
Molecular consequence: missense variant.
Genome position (GRCh38, 1-based): chr12:88,129,735, T>G on the plus strand (A>C on the coding strand, the complement: CEP290 is on the minus strand). VCF-style: chr12-88129735-T-G. GRCh37 (hg19) VCF-style: chr12-88523512-T-G.
Other names: short protein forms I271L.
Identifiers: ClinVar variation 4527246 (VCV004527246.1).